The following is an entry in ClinVar:

NM_139057.4(ADAMTS17):c.2956T>A (p.Ser986Thr)

Gene: ADAMTS17 (ADAM metallopeptidase with thrombospondin type 1 motif 17; minus strand). Cytogenetic location: 15q26.3.
Variant type: single nucleotide variant.
Coding change: c.2956T>A on transcript NM_139057.4 (MANE Select); coding-DNA position 2956, T replaced by A.
Protein change: p.Ser986Thr; replaces serine 986 with threonine.
Molecular consequence: missense variant.
Genome position (GRCh38, 1-based): chr15:99,976,216, A>T on the plus strand (T>A on the coding strand, the complement: ADAMTS17 is on the minus strand). VCF-style: chr15-99976216-A-T. GRCh37 (hg19) VCF-style: chr15-100516421-A-T.
Other names: short protein forms S986T.
Identifiers: ClinVar variation 2038448 (VCV002038448.4), dbSNP rs2547951816, ClinGen allele CA393692914.
Genomic context (GRCh38, chr15:99,976,216, plus strand): 5'-GCCCTGTGACCTTGTGCATGCACTGCACCACCCGGGACTGCAGGCCCTTCCCGCAGGTCG[A>T]CGAGCACTGCAGAGACAGGACAGCCTGAGTGGGGCTGACATGAGGTCAAGGGACTGGGAT-3'
Protein context (NP_620688.2, residues 976-996): WKTGDWSTCS[Ser986Thr]TCGKGLQSRV

ClinVar aggregate classification (germline): Uncertain significance (1 of 4 stars; one submission).

Submission:

Labcorp Genetics (formerly Invitae), Labcorp
Classification: Uncertain significance. Last evaluated: 2021-12-08. Review status: criteria provided, single submitter. Criteria: Invitae Variant Classification Sherloc (09022015). Collection method: clinical testing. Allele origin: germline.
Comment: Algorithms developed to predict the effect of missense changes on protein structure and function are either unavailable or do not agree on the potential impact of this missense change (SIFT: "Not Available"; PolyPhen-2: "Probably Damaging"; Align-GVGD: "Not Available"). This variant has not been reported in the literature in individuals affected with ADAMTS17-related conditions. This variant is not present in population databases (gnomAD no frequency). This sequence change replaces serine, which is neutral and polar, with threonine, which is neutral and polar, at codon 986 of the ADAMTS17 protein (p.Ser986Thr). In summary, the available evidence is currently insufficient to determine the role of this variant in disease. Therefore, it has been classified as a Variant of Uncertain Significance.